The following is an entry in ClinVar:

ClinVar aggregate classification (germline): Likely benign. Review status: criteria provided, multiple submitters, no conflicts (2 of 4 stars). 3 submissions from 3 submitters: Likely benign (2). 1 of the submissions does not count toward it. Last evaluated 2026-03-01.

Conditions:
CTU2-related disorder. Also called: CTU2-related condition.

Allele frequency attached by ClinVar (database versions not stated): gnomAD exomes 0.00061; ExAC 0.00142; 1000 Genomes Project 0.00260; 1000 Genomes Project 30x 0.00281; gnomAD 0.00321; TOPMed 0.00349.
gnomAD v4.1: 944 of 862,496 alleles (0.11%); highest among the groups gnomAD compares: African/African-American, 1%; 1 homozygote.

Submissions (3):

CeGaT Center for Human Genetics Tuebingen
Classification: Likely benign. Last evaluated: 2026-03-01. Review status: criteria provided, single submitter. Criteria: CeGaT Center For Human Genetics Tuebingen Variant Classification Criteria Version 2. Collection method: clinical testing. Allele origin: germline. Affected: yes. Observed: 1 variant allele.
Comment: CTU2: BP4, BP7, BS1

Blueprint Genetics
Classification: Likely benign. Last evaluated: 2024-11-12. Review status: criteria provided, single submitter. Criteria: ACMG Guidelines, 2015. Collection method: clinical testing. Allele origin: germline.

PreventionGenetics, part of Exact Sciences
Classification: Benign for CTU2-related condition. Last evaluated: 2019-07-29. Review status: no assertion criteria provided. Collection method: clinical testing. Allele origin: germline. Not counted in ClinVar's aggregate classification.
Comment: This variant is classified as benign based on ACMG/AMP sequence variant interpretation guidelines (Richards et al. 2015 PMID: 25741868, with internal and published modifications).

NM_001012759.3(CTU2):c.344-122C>T

Gene: CTU2 (cytosolic thiouridylase subunit 2; plus strand). Cytogenetic location: 16q24.3.
Variant type: single nucleotide variant.
Coding change: c.344-122C>T on transcript NM_001012759.3 (MANE Select); 122 bases into the intron before coding-DNA position 344, C replaced by T.
Molecular consequence: intron variant. On other transcripts: synonymous variant (1).
Genome position (GRCh38, 1-based): chr16:88,712,152, C>T. VCF-style: chr16-88712152-C-T. GRCh37 (hg19) VCF-style: chr16-88778560-C-T.
Other names: c.435C>T, p.Ser145= (NM_001318507.2); c.344-122C>T (NM_001012762.3); c.83-122C>T (NM_001318513.2).
Identifiers: ClinVar variation 3035550 (VCV003035550.7), dbSNP rs74033358, ClinGen allele CA8230240.
Genomic context (GRCh38, chr16:88,712,152, plus strand): 5'-GAGGTCAGCCGCAAGAGAGAAACCCCTGCCCAAAGGAAAATGGCCGACACCCCACAGCTC[C>T]GCCAGGAAGCACCGCCCTGCGGAGCGAGGCCTCGAAGGGTTTTCCCAGGTGGAGGTGGCC-3'